The following is an entry in ClinVar:

ClinVar aggregate classification (germline): Uncertain significance. Review status: criteria provided, multiple submitters, no conflicts (2 of 4 stars). 4 submissions from 4 submitters: Uncertain significance (4). Last evaluated 2024-09-23.

Conditions:
Cardiovascular phenotype. Identifiers: MedGen CN230736.
Arrhythmogenic right ventricular dysplasia 11. Also called: Arrhythmogenic Right Ventricular Dysplasia/Cardiomyopathy11; ARRHYTHMOGENIC RIGHT VENTRICULAR DYSPLASIA, FAMILIAL, 11; Arrhythmogenic right ventricular dysplasia 11 with mild palmoplantar keratoderma and woolly hair. Identifiers: MedGen C1864850, MONDO:0012506, OMIM 610476.

Allele frequency attached by ClinVar (database versions not stated): gnomAD exomes below 0.00001; TOPMed 0.00002.
gnomAD v4.1: 1 of 1,613,892 alleles (0.000062%); highest among the groups gnomAD compares: African/African-American, 0.0013%; no homozygotes.

Submissions (4):

Labcorp Genetics (formerly Invitae), Labcorp
Classification: Uncertain significance for Arrhythmogenic right ventricular dysplasia 11. Last evaluated: 2024-09-23. Review status: criteria provided, single submitter. Criteria: Invitae Variant Classification Sherloc (09022015). Collection method: clinical testing. Allele origin: germline.
Comment: This sequence change replaces leucine, which is neutral and non-polar, with serine, which is neutral and polar, at codon 195 of the DSC2 protein (p.Leu195Ser). This variant is not present in population databases (gnomAD no frequency). This variant has not been reported in the literature in individuals affected with DSC2-related conditions. ClinVar contains an entry for this variant (Variation ID: 228622). Invitae Evidence Modeling of protein sequence and biophysical properties (such as structural, functional, and spatial information, amino acid conservation, physicochemical variation, residue mobility, and thermodynamic stability) indicates that this missense variant is expected to disrupt DSC2 protein function with a positive predictive value of 80%. In summary, the available evidence is currently insufficient to determine the role of this variant in disease. Therefore, it has been classified as a Variant of Uncertain Significance.

Ambry Genetics
Classification: Uncertain significance for Cardiovascular phenotype. Last evaluated: 2023-12-11. Review status: criteria provided, single submitter. Criteria: Ambry Variant Classification Scheme 2023. Collection method: clinical testing. Allele origin: germline.
Comment: The p.L195S variant (also known as c.584T>C), located in coding exon 5 of the DSC2 gene, results from a T to C substitution at nucleotide position 584. The leucine at codon 195 is replaced by serine, an amino acid with dissimilar properties. This amino acid position is conserved. In addition, this alteration is predicted to be deleterious by in silico analysis. Since supporting evidence is limited at this time, the clinical significance of this alteration remains unclear.

GeneDx
Classification: Uncertain significance. Last evaluated: 2022-07-01. Review status: criteria provided, single submitter. Criteria: GeneDx Variant Classification Process June 2021. Collection method: clinical testing. Allele origin: germline. Affected: yes.
Comment: Not observed at significant frequency in large population cohorts (gnomAD); In silico analysis supports that this missense variant has a deleterious effect on protein structure/function; Has not been previously published as pathogenic or benign to our knowledge

Laboratory for Molecular Medicine, Mass General Brigham Personalized Medicine
Classification: Uncertain significance. Last evaluated: 2015-03-24. Review status: criteria provided, single submitter. Criteria: LMM Criteria. Collection method: clinical testing. Allele origin: germline. Observed: 1 variant allele.
Comment: The p.Leu195Ser variant in DSC2 has not been previously reported in individuals with cardiomyopathy and was absent from large population studies. Computational prediction tools and conservation analyses do not provide strong support for or against an impact to the protein. In summary, the clinical significance of the p .Leu195Ser variant is uncertain.

NM_024422.6(DSC2):c.584T>C (p.Leu195Ser)

Gene: DSC2 (desmocollin 2; minus strand). Cytogenetic location: 18q12.1.
Variant type: single nucleotide variant.
Coding change: c.584T>C on transcript NM_024422.6 (MANE Select); coding-DNA position 584, T replaced by C.
Protein change: p.Leu195Ser; replaces leucine 195 with serine.
Molecular consequence: missense variant.
Genome position (GRCh38, 1-based): chr18:31,089,485, A>G on the plus strand (T>C on the coding strand, the complement: DSC2 is on the minus strand). VCF-style: chr18-31089485-A-G. GRCh37 (hg19) VCF-style: chr18-28669448-A-G.
Other names: c.584T>C, p.Leu195Ser (NM_004949.5); short protein forms L195S.
Identifiers: ClinVar variation 228622 (VCV000228622.12), dbSNP rs876657787, ClinGen allele CA10577047.
Genomic context (GRCh38, chr18:31,089,485, plus strand): 5'-ATTTTAGACTTTACCTCAAAAGATTCATACTGCTCACGATCTACAGGACGAGTACAATAC[A>G]AGTTTCCAGTGTCTCTCTCCACATAAAATAAATTCCGAGGTTCTTGGTCAACTCCAGGAC-3'
Protein context (NP_077740.1, residues 185-205): LFYVERDTGN[Leu195Ser]YCTRPVDREQ